The following is an entry in ClinVar:

NM_006941.4(SOX10):c.1199T>G (p.Phe400Cys)

Genes: POLR2F (RNA polymerase II, I and III subunit F; plus strand), SOX10 (SRY-box transcription factor 10; minus strand). Cytogenetic location: 22q13.1.
Variant type: single nucleotide variant.
Coding change: c.1199T>G on transcript NM_006941.4 (MANE Select); coding-DNA position 1199, T replaced by G.
Protein change: p.Phe400Cys; replaces phenylalanine 400 with cysteine.
Molecular consequence: missense variant. On other transcripts: intron variant (3).
Genome position (GRCh38, 1-based): chr22:37,973,697, A>C on the plus strand (T>G on the coding strand, the complement: SOX10 is on the minus strand). VCF-style: chr22-37973697-A-C. GRCh37 (hg19) VCF-style: chr22-38369704-A-C.
Other names: c.*38+1387A>C (NM_001363825.1); c.293+6527A>C (NM_001301130.2, NM_001301131.2); short protein forms F400C.
Identifiers: ClinVar variation 4883808 (VCV004883808.2).

ClinVar aggregate classification (germline): Uncertain significance (1 of 4 stars; one submission).

Conditions:
PCWH syndrome. Also called: WAARDENBURG-SHAH SYNDROME, NEUROLOGIC VARIANT. Identifiers: Orphanet 163746, MedGen C1836727, MONDO:0012198, OMIM 609136.

Submission:

Dasa
Classification: Uncertain significance for PCWH syndrome. Last evaluated: 2025-10-31. Review status: criteria provided, single submitter. Criteria: DASA Assertion Criteria. Collection method: clinical testing. Allele origin: germline.
Comment: NM_006941.4(SOX10):c.1199T>G (p.Phe400Cys) is a missense variant that results in the substitution of phenylalanine with cysteine. This variant is absent from population databases. Computational prediction algorithms are consistent with a deleterious effect. The currently available literature and clinical evidence are not sufficient to establish a definitive association between this variant and the reported condition. Therefore, this variant is classified as a variant of uncertain significance.